The following is an entry in ClinVar:

ClinVar aggregate classification (germline): Uncertain significance (1 of 4 stars; one submission).

Conditions:
Duchenne muscular dystrophy (DMD). Also called: MUSCULAR DYSTROPHY, PSEUDOHYPERTROPHIC PROGRESSIVE, DUCHENNE TYPE; Duchenne Muscular Dystrophy (DMD). Identifiers: Orphanet 98896, MedGen C0013264, MONDO:0010679, OMIM 310200.

gnomAD v4.1: 1 of 1,211,030 alleles (0.000083%); highest among the groups gnomAD compares: Admixed American, 0.0022%; no homozygotes.

Submission:

Labcorp Genetics (formerly Invitae), Labcorp
Classification: Uncertain significance for Duchenne muscular dystrophy. Last evaluated: 2024-03-07. Review status: criteria provided, single submitter. Criteria: Invitae Variant Classification Sherloc (09022015). Collection method: clinical testing. Allele origin: germline.
Comment: This sequence change replaces histidine, which is basic and polar, with arginine, which is basic and polar, at codon 1748 of the DMD protein (p.His1748Arg). This variant is not present in population databases (gnomAD no frequency). This variant has not been reported in the literature in individuals affected with DMD-related conditions. Advanced modeling of protein sequence and biophysical properties (such as structural, functional, and spatial information, amino acid conservation, physicochemical variation, residue mobility, and thermodynamic stability) performed at Invitae indicates that this missense variant is not expected to disrupt DMD protein function with a negative predictive value of 95%. In summary, the available evidence is currently insufficient to determine the role of this variant in disease. Therefore, it has been classified as a Variant of Uncertain Significance.

NM_004006.3(DMD):c.5243A>G (p.His1748Arg)

Gene: DMD (dystrophin; minus strand). Cytogenetic location: Xp21.1.
Variant type: single nucleotide variant.
Coding change: c.5243A>G on transcript NM_004006.3 (MANE Select); coding-DNA position 5243, A replaced by G.
Protein change: p.His1748Arg; replaces histidine 1748 with arginine.
Molecular consequence: missense variant.
Genome position (GRCh38, 1-based): chrX:32,362,870, T>C on the plus strand (A>G on the coding strand, the complement: DMD is on the minus strand). VCF-style: chrX-32362870-T-C. GRCh37 (hg19) VCF-style: chrX-32380987-T-C.
Other names: c.5219A>G, p.His1740Arg (NM_000109.4); c.5231A>G, p.His1744Arg (NM_004009.3); c.4874A>G, p.His1625Arg (NM_004010.3); c.1220A>G, p.His407Arg (NM_004011.4); c.1211A>G, p.His404Arg (NM_004012.4); short protein forms H1740R, H404R, H407R, H1625R, H1744R, H1748R.
Identifiers: ClinVar variation 3710357 (VCV003710357.2).
Genomic context (GRCh38, chrX:32,362,870, plus strand): 5'-GAAATGGCTGCAAATCGATGGTTGAGCTCTGAGATTTGGGGCTCTACTAATTTCCTGCAG[T>C]GGTCACCGCGGTTTGCCATCAAGTTTGCTGCTTGGTCACGTGTAGAGTCCACCTTTGGGC-3'
Protein context (NP_003997.2, residues 1738-1758): AANLMANRGD[His1748Arg]CRKLVEPQIS